The following is an entry in ClinVar:

NM_003803.4(MYOM1):c.1498C>T (p.Arg500Ter)

Gene: MYOM1 (myomesin 1; minus strand). Cytogenetic location: 18p11.31.
Variant type: single nucleotide variant.
Coding change: c.1498C>T on transcript NM_003803.4 (MANE Select); coding-DNA position 1498, C replaced by T.
Protein change: p.Arg500Ter; replaces arginine 500 with a stop codon.
Molecular consequence: nonsense.
Genome position (GRCh38, 1-based): chr18:3,164,281, G>A on the plus strand (C>T on the coding strand, the complement: MYOM1 is on the minus strand). VCF-style: chr18-3164281-G-A. GRCh37 (hg19) VCF-style: chr18-3164279-G-A.
Other names: c.1498C>T, p.Arg500Ter (NM_019856.2); short protein forms R500*.
Identifiers: ClinVar variation 2912276 (VCV002912276.3), dbSNP rs753407636, ClinGen allele CA8874938.

ClinVar aggregate classification (germline): Uncertain significance (1 of 4 stars; one submission).

Conditions:
Hypertrophic cardiomyopathy. Also called: HYPERTROPHIC MYOCARDIOPATHY. Identifiers: Orphanet 217569, MedGen C0007194, MeSH D002312, MONDO:0005045, HP:0001639.

Allele frequency attached by ClinVar (database versions not stated): gnomAD exomes 0.00001; TOPMed 0.00001; ExAC 0.00003.
gnomAD v4.1: 14 of 1,612,310 alleles (0.00087%); highest among the groups gnomAD compares: Non-Finnish European, 0.0011%; no homozygotes.

Submission:

Labcorp Genetics (formerly Invitae), Labcorp
Classification: Uncertain significance for Hypertrophic cardiomyopathy. Last evaluated: 2023-10-04. Review status: criteria provided, single submitter. Criteria: Invitae Variant Classification Sherloc (09022015). Collection method: clinical testing. Allele origin: germline.
Comment: This sequence change creates a premature translational stop signal (p.Arg500*) in the MYOM1 gene. It is expected to result in an absent or disrupted protein product. However, the current clinical and genetic evidence is not sufficient to establish whether loss-of-function variants in MYOM1 cause disease. This variant is present in population databases (rs753407636, gnomAD 0.003%). This variant has not been reported in the literature in individuals affected with MYOM1-related conditions. In summary, the available evidence is currently insufficient to determine the role of this variant in disease. Therefore, it has been classified as a Variant of Uncertain Significance.